The following is an entry in ClinVar:

ClinVar aggregate classification (germline): Uncertain significance (1 of 4 stars; one submission).

Conditions:
Epidermolysis bullosa simplex 5B, with muscular dystrophy (EBS5B). Also called: EPIDERMOLYSIS BULLOSA SIMPLEX AND LIMB-GIRDLE MUSCULAR DYSTROPHY; Epidermolysis bullosa simplex with muscular dystrophy. Identifiers: Orphanet 257, MedGen C2931072, MONDO:0009181, OMIM 226670.
Epidermolysis bullosa simplex, Ogna type (EBS5A). Also called: Pidermolysis bullosa simplex 5A, Ogna type; EPIDERMOLYSIS BULLOSA SIMPLEX 5A, OGNA TYPE. Identifiers: Orphanet 79401, MedGen C0432317, MONDO:0007555, OMIM 131950.
Epidermolysis bullosa simplex 5C, with pyloric atresia (EBS5C). Also called: PLEC-Related Epidermolysis Bullosa with Pyloric Atresia; Epidermolysis bullosa simplex with pyloric atresia; PLEC1-Related Epidermolysis Bullosa with Pyloric Atresia. Identifiers: Orphanet 158684, MedGen C2677349, MONDO:0012807, OMIM 612138.
Autosomal recessive limb-girdle muscular dystrophy type 2Q (LGMDR17). Also called: MUSCULAR DYSTROPHY, LIMB-GIRDLE, AUTOSOMAL RECESSIVE 17. Identifiers: Orphanet 254361, MedGen C3150989, MONDO:0013390, OMIM 613723.
Epidermolysis bullosa simplex with nail dystrophy (EBS5D). Identifiers: MedGen C4225309, MONDO:0014661, OMIM 616487.

Allele frequency attached by ClinVar (database versions not stated): gnomAD exomes 0.00001; gnomAD 0.00002; TOPMed 0.00002.
gnomAD v4.1: 18 of 1,598,548 alleles (0.0011%); highest among the groups gnomAD compares: Non-Finnish European, 0.0015%; no homozygotes.

Submission:

Labcorp Genetics (formerly Invitae), Labcorp
Classification: Uncertain significance for Autosomal recessive limb-girdle muscular dystrophy type 2Q; Epidermolysis bullosa simplex, Ogna type; Epidermolysis bullosa simplex with nail dystrophy; Epidermolysis bullosa simplex 5C, with pyloric atresia; Epidermolysis bullosa simplex 5B, with muscular dystrophy. Last evaluated: 2023-04-07. Review status: criteria provided, single submitter. Criteria: Invitae Variant Classification Sherloc (09022015). Collection method: clinical testing. Allele origin: germline.
Comment: This sequence change replaces alanine, which is neutral and non-polar, with valine, which is neutral and non-polar, at codon 1965 of the PLEC protein (p.Ala1965Val). This variant is present in population databases (rs781811889, gnomAD 0.002%). This variant has not been reported in the literature in individuals affected with PLEC-related conditions. ClinVar contains an entry for this variant (Variation ID: 2051436). Experimental studies and prediction algorithms are not available or were not evaluated, and the functional significance of this variant is currently unknown. In summary, the available evidence is currently insufficient to determine the role of this variant in disease. Therefore, it has been classified as a Variant of Uncertain Significance.

NM_201384.3(PLEC):c.5813C>T (p.Ala1938Val)

Gene: PLEC (plectin; minus strand). Cytogenetic location: 8q24.3.
Variant type: single nucleotide variant.
Coding change: c.5813C>T on transcript NM_201384.3 (MANE Select); coding-DNA position 5813, C replaced by T.
Protein change: p.Ala1938Val; replaces alanine 1938 with valine.
Molecular consequence: missense variant.
Genome position (GRCh38, 1-based): chr8:143,924,116, G>A on the plus strand (C>T on the coding strand, the complement: PLEC is on the minus strand). VCF-style: chr8-143924116-G-A. GRCh37 (hg19) VCF-style: chr8-144998284-G-A.
Other names: c.5894C>T, p.Ala1965Val (NM_000445.5); c.5771C>T, p.Ala1924Val (NM_201378.4); c.5747C>T, p.Ala1916Val (NM_201379.3); c.6224C>T, p.Ala2075Val (NM_201380.4); c.5717C>T, p.Ala1906Val (NM_201381.3); c.5813C>T, p.Ala1938Val (NM_201382.4); c.5825C>T, p.Ala1942Val (NM_201383.3); short protein forms A1916V, A1965V, A1924V, A1942V, A2075V, A1938V, A1906V.
Identifiers: ClinVar variation 2051436 (VCV002051436.4), dbSNP rs781811889, ClinGen allele CA4926232.